The following is an entry in ClinVar:

NM_001374736.1(DST):c.19519A>G (p.Ile6507Val)

Gene: DST (dystonin; minus strand). Cytogenetic location: 6p12.1.
Variant type: single nucleotide variant.
Coding change: c.19519A>G on transcript NM_001374736.1 (MANE Select); coding-DNA position 19519, A replaced by G.
Protein change: p.Ile6507Val; replaces isoleucine 6507 with valine.
Molecular consequence: missense variant.
Genome position (GRCh38, 1-based): chr6:56,504,044, T>C on the plus strand (A>G on the coding strand, the complement: DST is on the minus strand). VCF-style: chr6-56504044-T-C. GRCh37 (hg19) VCF-style: chr6-56368842-T-C.
Other names: c.13162A>G, p.Ile4388Val (NM_001144769.5); c.12748A>G, p.Ile4250Val (NM_001144770.2); c.19519A>G, p.Ile6507Val (NM_001374722.1); c.18559A>G, p.Ile6187Val (NM_001374729.1); c.12301A>G, p.Ile4101Val (NM_001374730.1); c.19546A>G, p.Ile6516Val (NM_001374734.1); c.12628A>G, p.Ile4210Val (NM_001386100.1, NM_183380.4); c.11650A>G, p.Ile3884Val (NM_015548.5); short protein forms I3884V, I4250V, I6516V, I4101V, I4210V, I4388V, I6187V, I6507V.
Identifiers: ClinVar variation 1769789 (VCV001769789.2), dbSNP rs2534211011, ClinGen allele CA364521632.

ClinVar aggregate classification (germline): Uncertain significance (1 of 4 stars; one submission).

Conditions:
Inborn genetic diseases. Identifiers: MedGen C0950123, MeSH D030342.

Allele frequency attached by ClinVar (database versions not stated): gnomAD exomes below 0.00001.
gnomAD v4.1: 2 of 1,609,530 alleles (0.00012%); highest among the groups gnomAD compares: Non-Finnish European, 0.00017%; no homozygotes.

Submission:

Ambry Genetics
Classification: Uncertain significance for Inborn genetic diseases. Last evaluated: 2020-06-11. Review status: criteria provided, single submitter. Criteria: Ambry Variant Classification Scheme 2023. Collection method: clinical testing. Allele origin: germline.
Comment: The p.I4388V variant (also known as c.13162A>G), located in coding exon 72 of the DST gene, results from an A to G substitution at nucleotide position 13162. The isoleucine at codon 4388 is replaced by valine, an amino acid with highly similar properties. This amino acid position is not well conserved in available vertebrate species, and valine is the reference amino acid in other vertebrate species. In addition, this alteration is predicted to be tolerated by in silico analysis. Since supporting evidence is limited at this time, the clinical significance of this alteration remains unclear.